The following is an entry in ClinVar:

NM_152618.3(BBS12):c.809A>C (p.Glu270Ala)

Gene: BBS12 (Bardet-Biedl syndrome 12; plus strand). Cytogenetic location: 4q27.
Variant type: single nucleotide variant.
Coding change: c.809A>C on transcript NM_152618.3 (MANE Select); coding-DNA position 809, A replaced by C.
Protein change: p.Glu270Ala; replaces glutamic acid 270 with alanine.
Molecular consequence: missense variant.
Genome position (GRCh38, 1-based): chr4:122,742,701, A>C. VCF-style: chr4-122742701-A-C. GRCh37 (hg19) VCF-style: chr4-123663856-A-C.
Other names: c.809A>C (NM_152618.2); c.809A>C, p.Glu270Ala (NM_001178007.2); short protein forms E270A.
Identifiers: ClinVar variation 1406833 (VCV001406833.7), dbSNP rs915644000, ClinGen allele CA105249186.

ClinVar aggregate classification (germline): Uncertain significance. Review status: criteria provided, multiple submitters, no conflicts (2 of 4 stars). 3 submissions from 3 submitters: Uncertain significance (3). Last evaluated 2025-12-08.

Conditions:
Bardet-Biedl syndrome 12 (BBS12). Identifiers: Orphanet 110, MedGen C1859570, MONDO:0014440, OMIM 615989.
BBS12-related disorder. Also called: BBS12-related condition.
Bardet-Biedl syndrome (BBS). Identifiers: Orphanet 110, MedGen C0752166, MONDO:0015229.

Allele frequency attached by ClinVar (database versions not stated): gnomAD exomes 0.00001; gnomAD 0.00003 and 0.00004; TOPMed 0.00005.
gnomAD v4.1: 18 of 1,614,128 alleles (0.0011%); highest among the groups gnomAD compares: African/African-American, 0.023%; no homozygotes.

Submissions (3):

PreventionGenetics, part of Exact Sciences
Classification: Uncertain significance for BBS12-related condition. Last evaluated: 2025-12-08. Review status: criteria provided, single submitter. Criteria: ACMG Guidelines, 2015. Collection method: clinical testing. Allele origin: germline.
Comment: The BBS12 c.809A>C variant is predicted to result in the amino acid substitution p.Glu270Ala. To our knowledge, this variant has not been reported in the literature. This variant is reported in 0.012% of alleles in individuals of African descent in gnomAD. At this time, the clinical significance of this variant is uncertain due to the absence of conclusive functional and genetic evidence.

Labcorp Genetics (formerly Invitae), Labcorp
Classification: Uncertain significance for Bardet-Biedl syndrome. Last evaluated: 2024-10-26. Review status: criteria provided, single submitter. Criteria: Invitae Variant Classification Sherloc (09022015). Collection method: clinical testing. Allele origin: germline.
Comment: This sequence change replaces glutamic acid, which is acidic and polar, with alanine, which is neutral and non-polar, at codon 270 of the BBS12 protein (p.Glu270Ala). This variant is present in population databases (no rsID available, gnomAD 0.007%). This variant has not been reported in the literature in individuals affected with BBS12-related conditions. ClinVar contains an entry for this variant (Variation ID: 1406833). Invitae Evidence Modeling of protein sequence and biophysical properties (such as structural, functional, and spatial information, amino acid conservation, physicochemical variation, residue mobility, and thermodynamic stability) indicates that this missense variant is not expected to disrupt BBS12 protein function with a negative predictive value of 80%. In summary, the available evidence is currently insufficient to determine the role of this variant in disease. Therefore, it has been classified as a Variant of Uncertain Significance.

Fulgent Genetics
Classification: Uncertain significance for Bardet-Biedl syndrome 12. Last evaluated: 2021-08-31. Review status: criteria provided, single submitter. Criteria: ACMG Guidelines, 2015. Collection method: clinical testing. Allele origin: unknown.